The following is an entry in ClinVar:

NM_014244.5(ADAMTS2):c.92_96delinsAGC (p.Pro31fs)

Gene: ADAMTS2 (ADAM metallopeptidase with thrombospondin type 1 motif 2; minus strand). Cytogenetic location: 5q35.3.
Variant type: Indel.
Coding change: c.92_96delinsAGC on transcript NM_014244.5 (MANE Select); coding-DNA positions 92 to 96, CGCCG replaced by AGC.
Protein change: p.Pro31fs; shifts the reading frame from proline 31.
Molecular consequence: frameshift variant.
Genome position (GRCh38, 1-based): chr5:179,345,233-179,345,237, CGGCG replaced by GCT on the plus strand (CGCCG replaced by AGC on the coding strand, the reverse complement: ADAMTS2 is on the minus strand). VCF-style: chr5-179345233-CGGCG-GCT. GRCh37 (hg19) VCF-style: chr5-178772234-CGGCG-GCT.
Other names: c.92_96delinsAGC, p.Pro31fs (NM_021599.4); short protein forms P31fs.
Identifiers: ClinVar variation 5010577 (VCV005010577.1).

ClinVar aggregate classification (germline): Pathogenic (1 of 4 stars; one submission).

Conditions:
Ehlers-Danlos syndrome, dermatosparaxis type. Also called: EDS VIIC; Dermatosparaxis; Ehlers-Danlos syndrome, type VII, autosomal recessive. Identifiers: Orphanet 1901, MedGen C2700425, MONDO:0009161, OMIM 225410.

Submission:

Myriad Genetics, Inc.
Classification: Pathogenic for Ehlers-Danlos syndrome, dermatosparaxis type. Last evaluated: 2024-05-14. Review status: criteria provided, single submitter. Criteria: Myriad Autosomal Dominant, Autosomal Recessive and X-Linked Classification Criteria (2023). Collection method: clinical testing. Allele origin: unknown.
Comment: NM_014244.4(ADAMTS2):c.92_96del5ins3(P31Qfs*34) is expected to be pathogenic in the context of Ehlers-Danlos syndrome, ADAMTS2-related. This variant is predicted to lead to an abnormal or absent protein product due to the creation of a premature termination codon in ADAMTS2, a gene where loss-of-function variants are known to be pathogenic. Please note: this variant was assessed in the context of healthy population screening.